The following is an entry in ClinVar:

NM_001282116.2(RFX3):c.1153C>T (p.Arg385Cys)

Gene: RFX3 (regulatory factor X3; minus strand). Cytogenetic location: 9p24.2.
Variant type: single nucleotide variant.
Coding change: c.1153C>T on transcript NM_001282116.2 (MANE Select); coding-DNA position 1153, C replaced by T.
Protein change: p.Arg385Cys; replaces arginine 385 with cysteine.
Molecular consequence: missense variant.
Genome position (GRCh38, 1-based): chr9:3,271,052, G>A on the plus strand (C>T on the coding strand, the complement: RFX3 is on the minus strand). VCF-style: chr9-3271052-G-A. GRCh37 (hg19) VCF-style: chr9-3271052-G-A.
Other names: c.1153C>T, p.Arg385Cys (NM_001282117.2, NM_001377999.1, NM_002919.4 and 1 more transcripts); short protein forms R385C.
Identifiers: ClinVar variation 3370056 (VCV003370056.1).

ClinVar aggregate classification (germline): Uncertain significance (1 of 4 stars; one submission).

Submission:

GeneDx
Classification: Uncertain significance. Last evaluated: 2023-12-28. Review status: criteria provided, single submitter. Criteria: GeneDx Variant Classification Process June 2021. Collection method: clinical testing. Allele origin: germline. Affected: yes.
Comment: Not observed at significant frequency in large population cohorts (gnomAD); In silico analysis supports that this missense variant has a deleterious effect on protein structure/function; Has not been previously published as pathogenic or benign to our knowledge.